The following is an entry in ClinVar:

ClinVar aggregate classification (germline): Conflicting classifications of pathogenicity. Review status: criteria provided, conflicting classifications (1 of 4 stars). 3 submissions from 3 submitters: Uncertain significance (2); Likely benign (1). Last evaluated 2025-04-15.

Conditions:
Melnick-Needles syndrome (MNS). Also called: MELNICK-NEEDLES OSTEODYSPLASTY; Melnick-Needles Syndrome (FLNA-MNS); OSTEODYSPLASTY OF MELNICK AND NEEDLES. Identifiers: Orphanet 2484, MedGen C0025237, MONDO:0010650, OMIM 309350.
Frontometaphyseal dysplasia (FMD1). Identifiers: Orphanet 1826, MedGen C0265293, MONDO:0015942.
Heterotopia, periventricular, X-linked dominant (PVNH1). Also called: PERIVENTRICULAR NODULAR HETEROTOPIA 4; HETEROTOPIA, PERIVENTRICULAR, 1; PERIVENTRICULAR NODULAR HETEROTOPIA 1; X-linked periventricular heterotopia. Identifiers: Orphanet 2149, Orphanet 82004, MedGen C1848213, MONDO:0010233, OMIM 300049.
Oto-palato-digital syndrome, type II (OPD2). Also called: Otopalatodigital Syndrome Type 2 (FLNA-OPD2); FACIOPALATOOSSEOUS SYNDROME; OPD II SYNDROME; Otopalatodigital Syndrome, Type II. Identifiers: Orphanet 669, Orphanet 90652, MedGen C1844696, MONDO:0010571, OMIM 304120.
Familial thoracic aortic aneurysm and aortic dissection (TAAD). Also called: Thoracic aortic aneurysms and dissections. Identifiers: Orphanet 91387, MedGen C4707243, MONDO:0019625.

Allele frequency attached by ClinVar (database versions not stated): gnomAD exomes below 0.00001; gnomAD 0.00001; TOPMed 0.00001.
gnomAD v4.1: 2 of 1,211,156 alleles (0.00017%); highest among the groups gnomAD compares: Non-Finnish European, 0.00022%; no homozygotes.

Submissions (3):

GeneDx
Classification: Uncertain significance. Last evaluated: 2025-04-15. Review status: criteria provided, single submitter. Criteria: GeneDx Variant Classification Process June 2021. Collection method: clinical testing. Allele origin: germline. Affected: yes.
Comment: Not observed at significant frequency in large population cohorts (gnomAD); In silico analysis supports that this missense variant has a deleterious effect on protein structure/function; Has not been previously published as pathogenic or benign to our knowledge

Ambry Genetics
Classification: Uncertain significance for Familial thoracic aortic aneurysm and aortic dissection. Last evaluated: 2025-03-24. Review status: criteria provided, single submitter. Criteria: Ambry Variant Classification Scheme 2023. Collection method: clinical testing. Allele origin: germline.
Comment: The p.D1701E variant (also known as c.5103C>A), located in coding exon 29 of the FLNA gene, results from a C to A substitution at nucleotide position 5103. The aspartic acid at codon 1701 is replaced by glutamic acid, an amino acid with highly similar properties. This amino acid position is highly conserved in available vertebrate species. In addition, the in silico prediction for this alteration is inconclusive. Based on the available evidence, the clinical significance of this variant remains unclear.

Labcorp Genetics (formerly Invitae), Labcorp
Classification: Likely benign for Oto-palato-digital syndrome, type II; Heterotopia, periventricular, X-linked dominant; Frontometaphyseal dysplasia; Melnick-Needles syndrome. Last evaluated: 2020-02-14. Review status: criteria provided, single submitter. Criteria: Invitae Variant Classification Sherloc (09022015). Collection method: clinical testing. Allele origin: germline.

NM_001110556.2(FLNA):c.5127C>A (p.Asp1709Glu)

Gene: FLNA (filamin A; minus strand). Cytogenetic location: Xq28.
Variant type: single nucleotide variant.
Coding change: c.5127C>A on transcript NM_001110556.2 (MANE Select); coding-DNA position 5127, C replaced by A.
Protein change: p.Asp1709Glu; replaces aspartic acid 1709 with glutamic acid.
Molecular consequence: missense variant.
Genome position (GRCh38, 1-based): chrX:154,354,915, G>T on the plus strand (C>A on the coding strand, the complement: FLNA is on the minus strand). VCF-style: chrX-154354915-G-T. GRCh37 (hg19) VCF-style: chrX-153583283-G-T.
Other names: c.5103C>A, p.Asp1701Glu (NM_001456.4); short protein forms D1701E, D1709E.
Identifiers: ClinVar variation 519894 (VCV000519894.55), dbSNP rs1557176627, ClinGen allele CA415207674.